The following is an entry in ClinVar:

NM_001355436.2(SPTB):c.4627C>T (p.Gln1543Ter)

Gene: SPTB (spectrin beta, erythrocytic; minus strand). Cytogenetic location: 14q23.3.
Variant type: single nucleotide variant.
Coding change: c.4627C>T on transcript NM_001355436.2 (MANE Select); coding-DNA position 4627, C replaced by T.
Protein change: p.Gln1543Ter; replaces glutamine 1543 with a stop codon.
Molecular consequence: nonsense.
Genome position (GRCh38, 1-based): chr14:64,775,340, G>A on the plus strand (C>T on the coding strand, the complement: SPTB is on the minus strand). VCF-style: chr14-64775340-G-A. GRCh37 (hg19) VCF-style: chr14-65242058-G-A.
Other names: c.4627C>T, p.Gln1543Ter (NM_001024858.4, NM_001355437.2); short protein forms Q1543*.
Identifiers: ClinVar variation 4077613 (VCV004077613.2).

ClinVar aggregate classification (germline): Pathogenic/Likely pathogenic. Review status: criteria provided, multiple submitters, no conflicts (2 of 4 stars). 2 submissions from 2 submitters: Pathogenic (1); Likely pathogenic (1). Last evaluated 2026-01-14.

Conditions:
SPTB-related disorder. Also called: SPTB-related condition; SPTB-Related Disorders.

Submissions (2):

Women's Health and Genetics/Laboratory Corporation of America, LabCorp
Classification: Pathogenic for SPTB-Related Disorders. Last evaluated: 2026-01-14. Review status: criteria provided, single submitter. Criteria: LabCorp Variant Classification Summary - May 2015. Collection method: clinical testing. Allele origin: germline.
Comment: Variant summary: SPTB c.4627C>T (p.Gln1543X) results in a premature termination codon, predicted to cause a truncation of the encoded protein or absence of the protein due to nonsense mediated decay, which are commonly known mechanisms for disease. The variant was absent in 249544 control chromosomes. To our knowledge, no occurrence of c.4627C>T in individuals affected with SPTB-related conditions and no experimental evidence demonstrating its impact on protein function have been reported. ClinVar contains an entry for this variant (Variation ID: 4077613). Based on the evidence outlined above, the variant was classified as pathogenic.

Revvity Omics, Revvity
Classification: Likely pathogenic. Last evaluated: 2024-12-29. Review status: criteria provided, single submitter. Criteria: ACMG Guidelines, 2015. Collection method: clinical testing. Allele origin: germline.